The following is an entry in ClinVar:

NM_000304.4(PMP22):c.409A>G (p.Ile137Val)

Gene: PMP22 (peripheral myelin protein 22; minus strand). Cytogenetic location: 17p12.
Variant type: single nucleotide variant.
Coding change: c.409A>G on transcript NM_000304.4 (MANE Select); coding-DNA position 409, A replaced by G.
Protein change: p.Ile137Val; replaces isoleucine 137 with valine.
Molecular consequence: missense variant. On other transcripts: non-coding transcript variant (2).
Genome position (GRCh38, 1-based): chr17:15,230,991, T>C on the plus strand (A>G on the coding strand, the complement: PMP22 is on the minus strand). VCF-style: chr17-15230991-T-C. GRCh37 (hg19) VCF-style: chr17-15134308-T-C.
Other names: c.409A>G, p.Ile137Val (NM_001281455.2, NM_001281456.2, NM_153321.3 and 1 more transcripts); c.409A>G (NM_000304.2); short protein forms I137V.
Identifiers: ClinVar variation 572457 (VCV000572457.8), dbSNP rs755551524, ClinGen allele CA8403304.
Genomic context (GRCh38, chr17:15,230,991, plus strand): 5'-GCAAGATCACATAGATGACACCGCTGAGAAGGGCCAGGGGGAAGGCCACCCAGGCCAGGA[T>C]GTAGGCGAAACCGTAGGAGTAATCCGAGTTGAGATGCCACTCCGGGTGCCTCACCGTGTA-3'
Protein context (NP_000295.1, residues 127-147): NSDYSYGFAY[Ile137Val]LAWVAFPLAL

ClinVar aggregate classification (germline): Conflicting classifications of pathogenicity. Review status: criteria provided, conflicting classifications (1 of 4 stars). 3 submissions from 3 submitters: Uncertain significance (2); Likely benign (1). Last evaluated 2025-03-27.

Conditions:
PMP22-related disorder. Also called: PMP22-related disorders; PMP22-related condition.
Inborn genetic diseases. Identifiers: MedGen C0950123, MeSH D030342.
Charcot-Marie-Tooth disease, type I (CMT1). Also called: Charcot-Marie-Tooth disease type 1; Charcot-Marie-Tooth, Type 1. Identifiers: Orphanet 65753, MedGen C0751036, MONDO:0019011.

Allele frequency attached by ClinVar (database versions not stated): gnomAD exomes 0.00001 and 0.00003; TOPMed 0.00002; ExAC 0.00003; gnomAD 0.00001.
gnomAD v4.1: 18 of 1,614,064 alleles (0.0011%); highest among the groups gnomAD compares: Admixed American, 0.012%; no homozygotes.

Submissions (3):

PreventionGenetics, part of Exact Sciences
Classification: Uncertain significance for PMP22-related condition. Last evaluated: 2025-03-27. Review status: criteria provided, single submitter. Criteria: ACMG Guidelines, 2015. Collection method: clinical testing. Allele origin: germline.
Comment: The PMP22 c.409A>G variant is predicted to result in the amino acid substitution p.Ile137Val. To our knowledge, this variant has not been reported in the literature in affected individuals. This variant was studied as a polymorphism in functional studies, with limited information provided (Liu et al. 2004. PubMed ID: 15474367; Schlebach et al. 2015. PubMed ID: 26102530). This variant is reported in 0.014% of alleles in individuals of Latino descent in gnomAD. At this time, the clinical significance of this variant is uncertain due to the absence of conclusive functional and genetic evidence.

Labcorp Genetics (formerly Invitae), Labcorp
Classification: Uncertain significance for Charcot-Marie-Tooth disease, type I. Last evaluated: 2025-02-24. Review status: criteria provided, single submitter. Criteria: Invitae Variant Classification Sherloc (09022015). Collection method: clinical testing. Allele origin: germline.
Comment: This sequence change replaces isoleucine, which is neutral and non-polar, with valine, which is neutral and non-polar, at codon 137 of the PMP22 protein (p.Ile137Val). This variant is present in population databases (rs755551524, gnomAD 0.009%). This variant has not been reported in the literature in individuals affected with PMP22-related conditions. ClinVar contains an entry for this variant (Variation ID: 572457). Invitae Evidence Modeling of protein sequence and biophysical properties (such as structural, functional, and spatial information, amino acid conservation, physicochemical variation, residue mobility, and thermodynamic stability) indicates that this missense variant is not expected to disrupt PMP22 protein function with a negative predictive value of 95%. Experimental studies have shown that this missense change does not substantially affect PMP22 function (PMID: 15474367, 26102530). In summary, the available evidence is currently insufficient to determine the role of this variant in disease. Therefore, it has been classified as a Variant of Uncertain Significance.

Ambry Genetics
Classification: Likely benign for Inborn genetic diseases. Last evaluated: 2023-01-09. Review status: criteria provided, single submitter. Criteria: Ambry Variant Classification Scheme 2023. Collection method: clinical testing. Allele origin: germline.

Literature cited by the submitters: PubMed 15474367 (cited by Labcorp Genetics (formerly Invitae), Labcorp); PubMed 26102530 (cited by Labcorp Genetics (formerly Invitae), Labcorp).